The following is an entry in ClinVar:

ClinVar aggregate classification (germline): Uncertain significance (1 of 4 stars; one submission).

Submission:

Labcorp Genetics (formerly Invitae), Labcorp
Classification: Uncertain significance. Last evaluated: 2025-03-17. Review status: criteria provided, single submitter. Criteria: Invitae Variant Classification Sherloc (09022015). Collection method: clinical testing. Allele origin: germline.
Comment: This sequence change replaces glycine, which is neutral and non-polar, with valine, which is neutral and non-polar, at codon 213 of the IMPDH1 protein (p.Gly213Val). This variant is not present in population databases (gnomAD no frequency). This variant has not been reported in the literature in individuals affected with IMPDH1-related conditions. ClinVar contains an entry for this variant (Variation ID: 1399042). An algorithm developed to predict the effect of missense changes on protein structure and function (PolyPhen-2) suggests that this variant is likely to be tolerated. In summary, the available evidence is currently insufficient to determine the role of this variant in disease. Therefore, it has been classified as a Variant of Uncertain Significance.

NM_000883.4(IMPDH1):c.638G>T (p.Gly213Val)

Gene: IMPDH1 (inosine monophosphate dehydrogenase 1; minus strand). Cytogenetic location: 7q32.1.
Variant type: single nucleotide variant.
Coding change: c.638G>T on transcript NM_000883.4 (MANE Select); coding-DNA position 638, G replaced by T.
Protein change: p.Gly213Val; replaces glycine 213 with valine.
Molecular consequence: missense variant.
Genome position (GRCh38, 1-based): chr7:128,400,481, C>A on the plus strand (G>T on the coding strand, the complement: IMPDH1 is on the minus strand). VCF-style: chr7-128400481-C-A. GRCh37 (hg19) VCF-style: chr7-128040535-C-A.
Other names: c.608G>T, p.Gly203Val (NM_001102605.2); c.383G>T, p.Gly128Val (NM_001142573.2); c.368G>T, p.Gly123Val (NM_001142574.2); c.308G>T, p.Gly103Val (NM_001142575.2); c.539G>T, p.Gly180Val (NM_001142576.2); c.431G>T, p.Gly144Val (NM_001304521.2); c.530G>T, p.Gly177Val (NM_183243.3); short protein forms G144V, G123V, G180V, G213V, G103V, G177V, G128V, G203V.
Identifiers: ClinVar variation 1399042 (VCV001399042.8), dbSNP rs1562993531, ClinGen allele CA369173807.
Genomic context (GRCh38, chr7:128,400,481, plus strand): 5'-CCCGTCTCAGTGATGGGGATGCCAGAGAAGCCATGCCGCATCTTGGCCTCCAGCACATCG[C>A]CCACAGTGTGCGAGGGGCTCAGCACCACAGGGTCCGTGATGAAGCCCTGTTCAAACTTCT-3'
Protein context (NP_000874.2, residues 203-223): PVVLSPSHTV[Gly213Val]DVLEAKMRHG